The following is an entry in ClinVar:

NM_001040108.2(MLH3):c.1412_1414del (p.Leu471_Glu472delinsTer)

Gene: MLH3 (mutL homolog 3; minus strand). Cytogenetic location: 14q24.3.
Variant type: Deletion.
Coding change: c.1412_1414del on transcript NM_001040108.2 (MANE Select); coding-DNA positions 1412 to 1414, 3 bases deleted (TAG; older notation c.1412_1414delTAG).
Protein change: p.Leu471_Glu472delinsTer.
Molecular consequence: nonsense.
Genome position (GRCh38, 1-based): chr14:75,048,242-75,048,244, CTA deleted on the plus strand (TAG on the coding strand, the reverse complement: MLH3 is on the minus strand). VCF-style (leftmost placement, unchanged base first): chr14-75048241-TCTA-T. GRCh37 (hg19) VCF-style: chr14-75514944-TCTA-T.
Other names: c.1412_1414del, p.Leu471_Glu472delinsTer (NM_014381.3).
Identifiers: ClinVar variation 4844274 (VCV004844274.2).

ClinVar aggregate classification (germline): Conflicting classifications of pathogenicity. Review status: criteria provided, conflicting classifications (1 of 4 stars). 2 submissions from 2 submitters: Pathogenic (1); Uncertain significance (1). Last evaluated 2026-07-10.

Conditions:
Colorectal cancer, hereditary nonpolyposis, type 7. Identifiers: Orphanet 144, MedGen C1858380, MONDO:0013725, OMIM 614385.

Submissions (2):

Myriad Genetics, Inc.
Classification: Pathogenic for Colorectal cancer, hereditary nonpolyposis, type 7. Last evaluated: 2026-07-10. Review status: criteria provided, single submitter. Criteria: Myriad Autosomal Dominant, Autosomal Recessive and X-Linked Classification Criteria (2023). Collection method: clinical testing. Allele origin: unknown.
Comment: This variant is considered pathogenic. This variant creates a termination codon and is predicted to result in premature protein truncation.

Ambry Genetics
Classification: Uncertain significance. Last evaluated: 2026-01-08. Review status: criteria provided, single submitter. Criteria: Ambry Variant Classification Scheme 2023. Collection method: clinical testing. Allele origin: germline.
Comment: The c.1412_1414delTAG variant (also known as p.L471_E472delins*) is located in coding exon 1 of the MLH3 gene. This variant results from an in-frame TAG deletion at nucleotide positions 1412 to 1414. This results in the substitution of leucine and glutamic acid residues for a stop codon at positions 471 and 472. This amino acid region is not well conserved in available vertebrate species. The evidence for this gene-disease relationship is limited; therefore, the clinical significance of this alteration is unclear.